The following is an entry in ClinVar:

NM_014915.3(ANKRD26):c.272G>T (p.Gly91Val)

Gene: ANKRD26 (ankyrin repeat domain 26; minus strand). Cytogenetic location: 10p12.1.
Variant type: single nucleotide variant.
Coding change: c.272G>T on transcript NM_014915.3 (MANE Select); coding-DNA position 272, G replaced by T.
Protein change: p.Gly91Val; replaces glycine 91 with valine.
Molecular consequence: missense variant.
Genome position (GRCh38, 1-based): chr10:27,093,770, C>A on the plus strand (G>T on the coding strand, the complement: ANKRD26 is on the minus strand). VCF-style: chr10-27093770-C-A. GRCh37 (hg19) VCF-style: chr10-27382699-C-A.
Other names: c.272G>T, p.Gly91Val (NM_001256053.2); short protein forms G91V.
Identifiers: ClinVar variation 4826402 (VCV004826402.1).
Genomic context (GRCh38, chr10:27,093,770, plus strand): 5'-TTGTCACAGACATTGAGCTGGCATTTTCTGTCCACCAGGAGAGTTACTACTTCTGGATGA[C>A]CATTGGCACAGGCCAAATGTAGAGCCGTCCTATGAGAGTGACAGGACTTTTTATAAACTG-3'
Protein context (NP_055730.2, residues 81-101): RTALHLACAN[Gly91Val]HPEVVTLLVD

ClinVar aggregate classification (germline): Uncertain significance (1 of 4 stars; one submission).

Conditions:
Inborn genetic diseases. Identifiers: MedGen C0950123, MeSH D030342.

Submission:

Ambry Genetics
Classification: Uncertain significance for Inborn genetic diseases. Last evaluated: 2026-02-23. Review status: criteria provided, single submitter. Criteria: Ambry Variant Classification Scheme 2023. Collection method: clinical testing. Allele origin: germline.
Comment: The p.G91V variant (also known as c.272G>T), located in coding exon 2 of the ANKRD26 gene, results from a G to T substitution at nucleotide position 272. The glycine at codon 91 is replaced by valine, an amino acid with dissimilar properties. This amino acid position is conserved. In addition, the in silico prediction for this alteration is inconclusive. Based on the available evidence, the clinical significance of this variant remains unclear.